The following is an entry in ClinVar:

ClinVar aggregate classification (germline): Uncertain significance (1 of 4 stars; one submission).

Conditions:
Gorlin syndrome. Also called: Nevoid Basal Cell Carcinoma Syndrome; Basal cell nevus syndrome. Identifiers: Orphanet 377, MedGen C0004779, MONDO:0007187.

Allele frequency attached by ClinVar (database versions not stated): gnomAD 0.00001.
gnomAD v4.1: 1 of 1,614,082 alleles (0.000062%); highest among the groups gnomAD compares: East Asian, 0.0022%; no homozygotes.

Submission:

Labcorp Genetics (formerly Invitae), Labcorp
Classification: Uncertain significance for Gorlin syndrome. Last evaluated: 2020-07-20. Review status: criteria provided, single submitter. Criteria: Invitae Variant Classification Sherloc (09022015). Collection method: clinical testing. Allele origin: germline.
Comment: Algorithms developed to predict the effect of missense changes on protein structure and function (SIFT, PolyPhen-2, Align-GVGD) all suggest that this variant is likely to be tolerated, but these predictions have not been confirmed by published functional studies and their clinical significance is uncertain. This variant has not been reported in the literature in individuals with PTCH2-related conditions. This variant is not present in population databases (ExAC no frequency). This sequence change replaces proline with threonine at codon 868 of the PTCH2 protein (p.Pro868Thr). The proline residue is moderately conserved and there is a small physicochemical difference between proline and threonine. In summary, the available evidence is currently insufficient to determine the role of this variant in disease. Therefore, it has been classified as a Variant of Uncertain Significance.

NM_003738.5(PTCH2):c.2602C>A (p.Pro868Thr)

Gene: PTCH2 (patched 2; minus strand). Cytogenetic location: 1p34.1.
Variant type: single nucleotide variant.
Coding change: c.2602C>A on transcript NM_003738.5 (MANE Select); coding-DNA position 2602, C replaced by A.
Protein change: p.Pro868Thr; replaces proline 868 with threonine.
Molecular consequence: missense variant.
Genome position (GRCh38, 1-based): chr1:44,826,995, G>T on the plus strand (C>A on the coding strand, the complement: PTCH2 is on the minus strand). VCF-style: chr1-44826995-G-T. GRCh37 (hg19) VCF-style: chr1-45292667-G-T.
Other names: c.2602C>A, p.Pro868Thr (NM_001166292.2); short protein forms P868T.
Identifiers: ClinVar variation 1045583 (VCV001045583.9), dbSNP rs1377075089, ClinGen allele CA340094418.